The following is an entry in ClinVar:

NM_015335.5(MED13L):c.2117G>A (p.Gly706Glu)

Gene: MED13L (mediator complex subunit 13L; minus strand). Cytogenetic location: 12q24.21.
Variant type: single nucleotide variant.
Coding change: c.2117G>A on transcript NM_015335.5 (MANE Select); coding-DNA position 2117, G replaced by A.
Protein change: p.Gly706Glu; replaces glycine 706 with glutamic acid.
Molecular consequence: missense variant.
Genome position (GRCh38, 1-based): chr12:116,007,532, C>T on the plus strand (G>A on the coding strand, the complement: MED13L is on the minus strand). VCF-style: chr12-116007532-C-T. GRCh37 (hg19) VCF-style: chr12-116445337-C-T.
Other names: short protein forms G706E.
Identifiers: ClinVar variation 1040460 (VCV001040460.20), dbSNP rs200257416, ClinGen allele CA6811240.

ClinVar aggregate classification (germline): Conflicting classifications of pathogenicity. Review status: criteria provided, conflicting classifications (1 of 4 stars). 2 submissions from 2 submitters: Uncertain significance (1); Likely benign (1). Last evaluated 2025-04-01.

Conditions:
Dextro-looped transposition of the great arteries. Also called: Dextrotransposition of the great arteries. Identifiers: Orphanet 860, MedGen C3531771, MONDO:0019443, OMIM 608808, HP:0031348.

Allele frequency attached by ClinVar (database versions not stated): gnomAD exomes below 0.00001 and 0.00003; gnomAD 0.00001 and 0.00002; ExAC 0.00002; TOPMed 0.00002; 1000 Genomes Project 30x 0.00031; 1000 Genomes Project 0.00040.
gnomAD v4.1: 9 of 1,613,504 alleles (0.00056%); highest among the groups gnomAD compares: East Asian, 0.0022%; no homozygotes.

Submissions (2):

CeGaT Center for Human Genetics Tuebingen
Classification: Likely benign. Last evaluated: 2025-04-01. Review status: criteria provided, single submitter. Criteria: CeGaT Center For Human Genetics Tuebingen Variant Classification Criteria Version 2. Collection method: clinical testing. Allele origin: germline. Affected: yes. Observed: 1 variant allele.
Comment: MED13L: BP4

Labcorp Genetics (formerly Invitae), Labcorp
Classification: Uncertain significance for Dextro-looped transposition of the great arteries. Last evaluated: 2025-03-31. Review status: criteria provided, single submitter. Criteria: Invitae Variant Classification Sherloc (09022015). Collection method: clinical testing. Allele origin: germline.
Comment: This sequence change replaces glycine, which is neutral and non-polar, with glutamic acid, which is acidic and polar, at codon 706 of the MED13L protein (p.Gly706Glu). This variant is present in population databases (rs200257416, gnomAD 0.004%). This missense change has been observed in individual(s) with neurodevelopmental disorder and/or Tetralogy of Fallot with left pulmonary artery stenosis, lobar holoprosencephaly, developmental delay, and ADHD (PMID: 31144778; internal data). ClinVar contains an entry for this variant (Variation ID: 1040460). Invitae Evidence Modeling of protein sequence and biophysical properties (such as structural, functional, and spatial information, amino acid conservation, physicochemical variation, residue mobility, and thermodynamic stability) indicates that this missense variant is not expected to disrupt MED13L protein function with a negative predictive value of 80%. In summary, the available evidence is currently insufficient to determine the role of this variant in disease. Therefore, it has been classified as a Variant of Uncertain Significance.

Literature cited by the submitters: PubMed 31144778 (cited by Labcorp Genetics (formerly Invitae), Labcorp).